The following is an entry in ClinVar:

NM_001903.5(CTNNA1):c.34A>G (p.Lys12Glu)

Gene: CTNNA1 (catenin alpha 1; plus strand). Cytogenetic location: 5q31.2.
Variant type: single nucleotide variant.
Coding change: c.34A>G on transcript NM_001903.5 (MANE Select); coding-DNA position 34, A replaced by G.
Protein change: p.Lys12Glu; replaces lysine 12 with glutamic acid.
Molecular consequence: missense variant. On other transcripts: 5 prime UTR variant (2).
Genome position (GRCh38, 1-based): chr5:138,781,958, A>G. VCF-style: chr5-138781958-A-G. GRCh37 (hg19) VCF-style: chr5-138117647-A-G.
Other names: c.34A>G, p.Lys12Glu (NM_001290307.3, NM_001323982.2, NM_001323983.1 and 3 more transcripts); c.-80A>G (NM_001290309.3); c.-173A>G (NM_001290310.3); short protein forms K12E.
Identifiers: ClinVar variation 1732038 (VCV001732038.5), dbSNP rs2532170374, ClinGen allele CA361477091.
Genomic context (GRCh38, chr5:138,781,958, plus strand): 5'-GACTGACTTTTTGTTTCTTATTTAGAAATGACTGCTGTCCATGCAGGCAACATAAACTTC[A>G]AGTGGGATCCTAAAAGTCTAGAGATCAGGACTCTGGCAGTTGAGAGACTGTTGGAGCCTC-3'
Protein context (NP_001894.2, residues 2-22): TAVHAGNINF[Lys12Glu]WDPKSLEIRT

ClinVar aggregate classification (germline): Uncertain significance. Review status: criteria provided, multiple submitters, no conflicts (2 of 4 stars). 2 submissions from 2 submitters: Uncertain significance (2). Last evaluated 2024-08-05.

Conditions:
Hereditary cancer-predisposing syndrome. Also called: Neoplastic Syndromes, Hereditary; Tumor predisposition; Hereditary Cancer Syndrome; Hereditary neoplastic syndrome. Identifiers: Orphanet 140162, MedGen C0027672, MeSH D009386, MONDO:0015356.

Submissions (2):

Labcorp Genetics (formerly Invitae), Labcorp
Classification: Uncertain significance. Last evaluated: 2024-08-05. Review status: criteria provided, single submitter. Criteria: Invitae Variant Classification Sherloc (09022015). Collection method: clinical testing. Allele origin: germline.
Comment: This sequence change replaces lysine, which is basic and polar, with glutamic acid, which is acidic and polar, at codon 12 of the CTNNA1 protein (p.Lys12Glu). This variant is not present in population databases (gnomAD no frequency). This variant has not been reported in the literature in individuals affected with CTNNA1-related conditions. ClinVar contains an entry for this variant (Variation ID: 1732038). An algorithm developed to predict the effect of missense changes on protein structure and function (PolyPhen-2) suggests that this variant is likely to be tolerated. In summary, the available evidence is currently insufficient to determine the role of this variant in disease. Therefore, it has been classified as a Variant of Uncertain Significance.

Ambry Genetics
Classification: Uncertain significance for Hereditary cancer-predisposing syndrome. Last evaluated: 2022-06-15. Review status: criteria provided, single submitter. Criteria: Ambry Variant Classification Scheme 2023. Collection method: clinical testing. Allele origin: germline.
Comment: The p.K12E variant (also known as c.34A>G), located in coding exon 1 of the CTNNA1 gene, results from an A to G substitution at nucleotide position 34. The lysine at codon 12 is replaced by glutamic acid, an amino acid with similar properties. This amino acid position is conserved. In addition, the in silico prediction for this alteration is inconclusive. Since supporting evidence is limited at this time, the clinical significance of this alteration remains unclear.